The following is an entry in ClinVar:

NM_172003.3(ZNG1B):c.1013A>C (p.Tyr338Ser)

Gene: ZNG1B (Zn regulated GTPase metalloprotein activator 1B; plus strand). Cytogenetic location: 2q14.1.
Variant type: single nucleotide variant.
Coding change: c.1013A>C on transcript NM_172003.3 (MANE Select); coding-DNA position 1013, A replaced by C.
Protein change: p.Tyr338Ser; replaces tyrosine 338 with serine.
Molecular consequence: missense variant. On other transcripts: non-coding transcript variant (2).
Genome position (GRCh38, 1-based): chr2:113,495,181, A>C. VCF-style: chr2-113495181-A-C. GRCh37 (hg19) VCF-style: chr2-114252758-A-C.
Other names: c.956A>C, p.Tyr319Ser (NM_001330336.1); c.926A>C, p.Tyr309Ser (NM_001330337.1); c.905A>C, p.Tyr302Ser (NM_001330339.1); c.509A>C, p.Tyr170Ser (NM_001330340.1, NM_001330342.1); short protein forms Y338S, Y302S, Y309S, Y170S, Y319S.
Identifiers: ClinVar variation 4829681 (VCV004829681.1).

ClinVar aggregate classification (germline): Uncertain significance (1 of 4 stars; one submission).

Submission:

Ambry Genetics
Classification: Uncertain significance. Last evaluated: 2026-02-27. Review status: criteria provided, single submitter. Criteria: Ambry Variant Classification Scheme 2023. Collection method: clinical testing. Allele origin: germline.
Comment: The c.1013A>C (p.Y338S) alteration is located in exon 14 (coding exon 14) of the CBWD2 gene. This alteration results from a A to C substitution at nucleotide position 1013, causing the tyrosine (Y) at amino acid position 338 to be replaced by a serine (S). Based on data from gnomAD, the C allele has an overall frequency of 0.003% (6/177474) total alleles studied. The highest observed frequency was 0.006% (5/88134) of European (non-Finnish) alleles. Based on insufficient or conflicting evidence, the clinical significance of this alteration remains unclear.